The following is an entry in ClinVar:

NM_004629.2(FANCG):c.1096C>T (p.His366Tyr)

Gene: FANCG (FA complementation group G; minus strand). Cytogenetic location: 9p13.3.
Variant type: single nucleotide variant.
Coding change: c.1096C>T on transcript NM_004629.2 (MANE Select); coding-DNA position 1096, C replaced by T.
Protein change: p.His366Tyr; replaces histidine 366 with tyrosine.
Molecular consequence: missense variant.
Genome position (GRCh38, 1-based): chr9:35,076,009, G>A on the plus strand (C>T on the coding strand, the complement: FANCG is on the minus strand). VCF-style: chr9-35076009-G-A. GRCh37 (hg19) VCF-style: chr9-35076006-G-A.
Other names: short protein forms H366Y.
Identifiers: ClinVar variation 3848460 (VCV003848460.1).

ClinVar aggregate classification (germline): Uncertain significance (1 of 4 stars; one submission).

Conditions:
Inborn genetic diseases. Identifiers: MedGen C0950123, MeSH D030342.

Submission:

Ambry Genetics
Classification: Uncertain significance for Inborn genetic diseases. Last evaluated: 2025-03-07. Review status: criteria provided, single submitter. Criteria: Ambry Variant Classification Scheme 2023. Collection method: clinical testing. Allele origin: germline.
Comment: The p.H366Y variant (also known as c.1096C>T), located in coding exon 9 of the FANCG gene, results from a C to T substitution at nucleotide position 1096. The histidine at codon 366 is replaced by tyrosine, an amino acid with similar properties. This amino acid position is conserved. In addition, this alteration is predicted to be tolerated by in silico analysis. Based on the available evidence, the clinical significance of this variant remains unclear.